The following is an entry in ClinVar:

ClinVar aggregate classification (germline): Likely benign (0 of 4 stars; one submission).

Conditions:
ITGA8-related disorder. Also called: ITGA8-related condition.

Submission:

PreventionGenetics, part of Exact Sciences
Classification: Likely benign for ITGA8-related condition. Last evaluated: 2023-01-04. Review status: no assertion criteria provided. Collection method: clinical testing. Allele origin: germline.
Comment: This variant is classified as likely benign based on ACMG/AMP sequence variant interpretation guidelines (Richards et al. 2015 PMID: 25741868, with internal and published modifications).

NM_003638.3(ITGA8):c.21C>G (p.Arg7=)

Gene: ITGA8 (integrin subunit alpha 8; minus strand). Cytogenetic location: 10p13.
Variant type: single nucleotide variant.
Coding change: c.21C>G on transcript NM_003638.3 (MANE Select); coding-DNA position 21, C replaced by G.
Protein change: p.Arg7=; no amino-acid change (arginine 7 retained).
Molecular consequence: synonymous variant.
Genome position (GRCh38, 1-based): chr10:15,719,751, G>C on the plus strand (C>G on the coding strand, the complement: ITGA8 is on the minus strand). VCF-style: chr10-15719751-G-C. GRCh37 (hg19) VCF-style: chr10-15761750-G-C.
Other names: c.21C>G, p.Arg7= (NM_001291494.2).
Identifiers: ClinVar variation 3050457 (VCV003050457.2), dbSNP rs1564424172, ClinGen allele CA468297889.